The following is an entry in ClinVar:

NM_000266.3(NDP):c.-396_-383del14

Gene: NDP (norrin cystine knot growth factor NDP; minus strand). Cytogenetic location: Xp11.3.
Variant type: Microsatellite.
Coding change: c.-396_-383del14 on transcript NM_000266.3; 396 bases upstream of the start codon through 383 bases upstream of the start codon, 14 bases deleted (TCCCTCTCTCTCTC).
Genome position (GRCh38, 1-based): chrX:43,973,479-43,973,492, GAGAGAGAGAGGGA deleted on the plus strand (TCCCTCTCTCTCTC on the coding strand, the reverse complement: NDP is on the minus strand); deleting any 14 consecutive bases within chrX:43,973,479-43,973,517 gives the same sequence; the c. name uses the placement nearest the transcript's 3' end. VCF-style (leftmost placement, unchanged base first): chrX-43973478-GGAGAGAGAGAGGGA-G. GRCh37 (hg19) VCF-style: chrX-43832724-GGAGAGAGAGAGGGA-G.
Other names: c.-396_-383delTCCCTCTCTCTCTC (NM_000266.3).
Identifiers: ClinVar variation 596321 (VCV000596321.34), dbSNP rs770996360, ClinGen allele CA329486078.
Genomic context (GRCh38, chrX:43,973,478, plus strand): 5'-ATATTTGCAACACACAAAAGTTAGGACTGTTGTTTAAGCGACACAGGGAGAGAGAGAGAG[GGAGAGAGAGAGGGA>G]GAGAGAGAGAGGGAGAGAGAGAGAGAGAATGTCAAATGGAAAAGTGCCATTGCAGTCATA-3'

ClinVar aggregate classification (germline): Benign/Likely benign. Review status: criteria provided, multiple submitters, no conflicts (2 of 4 stars). 5 submissions from 5 submitters: Benign (2); Likely benign (3). Last evaluated 2026-07-01.

Conditions:
NDP-related disorder. Also called: NDP-related condition.

Submissions (5):

CeGaT Center for Human Genetics Tuebingen
Classification: Likely benign. Last evaluated: 2026-07-01. Review status: criteria provided, single submitter. Criteria: CeGaT Center For Human Genetics Tuebingen Variant Classification Criteria Version 2. Collection method: clinical testing. Allele origin: germline. Affected: yes. Observed: 23 variant alleles.
Comment: NDP: BS2

PreventionGenetics, part of Exact Sciences
Classification: Benign for NDP-related condition. Last evaluated: 2025-12-16. Review status: criteria provided, single submitter. Criteria: ACMG Guidelines, 2015. Collection method: clinical testing. Allele origin: germline.
Comment: This variant is classified as benign based on ACMG/AMP sequence variant interpretation guidelines (Richards et al. 2015 PMID: 25741868, with internal and published modifications).

Blueprint Genetics
Classification: Likely benign. Last evaluated: 2024-11-28. Review status: criteria provided, single submitter. Criteria: ACMG Guidelines, 2015. Collection method: clinical testing. Allele origin: germline.

GeneDx
Classification: Benign. Last evaluated: 2019-08-19. Review status: criteria provided, single submitter. Criteria: GeneDx Variant Classification Process June 2021. Collection method: clinical testing. Allele origin: germline. Affected: yes.
Comment: This variant is associated with the following publications: (PMID: 16970763, 11322656, 16052165, 17296899)

Eurofins Ntd Llc (ga)
Classification: Likely benign. Last evaluated: 2018-02-27. Review status: criteria provided, single submitter. Criteria: EGL ClinVar v180209 classification definitions. Collection method: clinical testing. Allele origin: germline. Observed: 1 variant allele, 1 heterozygote.